The following is an entry in ClinVar:

NM_018292.5(QRSL1):c.1172A>G (p.Asn391Ser)

Gene: QRSL1 (glutaminyl-tRNA amidotransferase subunit QRSL1; plus strand). Cytogenetic location: 6q21.
Variant type: single nucleotide variant.
Coding change: c.1172A>G on transcript NM_018292.5 (MANE Select); coding-DNA position 1172, A replaced by G.
Protein change: p.Asn391Ser; replaces asparagine 391 with serine.
Molecular consequence: missense variant.
Genome position (GRCh38, 1-based): chr6:106,662,991, A>G. VCF-style: chr6-106662991-A-G. GRCh37 (hg19) VCF-style: chr6-107110866-A-G.
Other names: short protein forms N391S.
Identifiers: ClinVar variation 2021668 (VCV002021668.4), dbSNP rs2482537684, ClinGen allele CA365157214.

ClinVar aggregate classification (germline): Uncertain significance (1 of 4 stars; one submission).

gnomAD v4.1: 1 of 1,608,244 alleles (0.000062%); highest among the groups gnomAD compares: Non-Finnish European, 0.000085%; no homozygotes.

Submission:

Labcorp Genetics (formerly Invitae), Labcorp
Classification: Uncertain significance. Last evaluated: 2023-10-13. Review status: criteria provided, single submitter. Criteria: Invitae Variant Classification Sherloc (09022015). Collection method: clinical testing. Allele origin: germline.
Comment: This sequence change replaces asparagine, which is neutral and polar, with serine, which is neutral and polar, at codon 391 of the QRSL1 protein (p.Asn391Ser). This variant is not present in population databases (gnomAD no frequency). This variant has not been reported in the literature in individuals affected with QRSL1-related conditions. ClinVar contains an entry for this variant (Variation ID: 2021668). Advanced modeling of protein sequence and biophysical properties (such as structural, functional, and spatial information, amino acid conservation, physicochemical variation, residue mobility, and thermodynamic stability) performed at Invitae indicates that this missense variant is not expected to disrupt QRSL1 protein function. In summary, the available evidence is currently insufficient to determine the role of this variant in disease. Therefore, it has been classified as a Variant of Uncertain Significance.